The following is an entry in ClinVar:

ClinVar aggregate classification (germline): Uncertain significance (1 of 4 stars; one submission).

Conditions:
TH-deficient dopa-responsive dystonia. Also called: Tyrosine Hydroxylase-Deficient Dopa-Responsive Dystonia; Segawa syndrome, autosomal recessive; DYT-TH. Identifiers: Orphanet 101150, MedGen C2673535, MONDO:0011551, OMIM 605407.

Submission:

Juno Genomics, Hangzhou Juno Genomics, Inc
Classification: Uncertain significance for TH-deficient dopa-responsive dystonia. Review status: criteria provided, single submitter. Criteria: ACMG Guidelines, 2015. Collection method: clinical testing. Allele origin: germline.
Comment: Absent from controls (or at extremely low frequency if recessive) in Genome Aggregation Database.;Multiple lines of computational evidence support a deleterious effect on the gene or gene product.

NM_000360.4(TH):c.1237G>T (p.Asp413Tyr)

Gene: TH (tyrosine hydroxylase; minus strand). Cytogenetic location: 11p15.5.
Variant type: single nucleotide variant.
Coding change: c.1237G>T on transcript NM_000360.4 (MANE Select); coding-DNA position 1237, G replaced by T.
Protein change: p.Asp413Tyr; replaces aspartic acid 413 with tyrosine.
Molecular consequence: missense variant.
Genome position (GRCh38, 1-based): chr11:2,165,329, C>A on the plus strand (G>T on the coding strand, the complement: TH is on the minus strand). VCF-style: chr11-2165329-C-A. GRCh37 (hg19) VCF-style: chr11-2186559-C-A.
Other names: c.1249G>T, p.Asp417Tyr (NM_001440535.1); c.967G>T, p.Asp323Tyr (NM_001440536.1); c.955G>T, p.Asp319Tyr (NM_001440537.1); c.1330G>T, p.Asp444Tyr (NM_199292.3); c.1318G>T, p.Asp440Tyr (NM_199293.3); short protein forms D319Y, D413Y, D323Y, D417Y, D444Y, D440Y.
Identifiers: ClinVar variation 5007854 (VCV005007854.2).
Genomic context (GRCh38, chr11:2,165,329, plus strand): 5'-CGAAGTAGACTGACTGGTACGTCTGGTCTTGGTAGGGCTGCACGGCCGCAGCCTCAGGGT[C>A]GAAGGCCCGAATCTCAGGCTCCTCAGACAGGCAGTGCTGGCAGGAGGCCAATGGCATCAC-3'
Protein context (NP_000351.2, residues 403-423): LSEEPEIRAF[Asp413Tyr]PEAAAVQPYQ